The following is an entry in ClinVar:

ClinVar aggregate classification (germline): Uncertain significance (1 of 4 stars; one submission).

gnomAD v4.1: 1 of 1,614,134 alleles (0.000062%); highest among the groups gnomAD compares: African/African-American, 0.0013%; no homozygotes.

Submission:

Labcorp Genetics (formerly Invitae), Labcorp
Classification: Uncertain significance. Last evaluated: 2025-06-12. Review status: criteria provided, single submitter. Criteria: Invitae Variant Classification Sherloc (09022015). Collection method: clinical testing. Allele origin: germline.
Comment: This sequence change replaces serine, which is neutral and polar, with threonine, which is neutral and polar, at codon 474 of the SRCAP protein (p.Ser474Thr). This variant is not present in population databases (gnomAD no frequency). This variant has not been reported in the literature in individuals affected with SRCAP-related conditions. ClinVar contains an entry for this variant (Variation ID: 3691586). Invitae Evidence Modeling of protein sequence and biophysical properties (such as structural, functional, and spatial information, amino acid conservation, physicochemical variation, residue mobility, and thermodynamic stability) indicates that this missense variant is not expected to disrupt SRCAP protein function with a negative predictive value of 80%. In summary, the available evidence is currently insufficient to determine the role of this variant in disease. Therefore, it has been classified as a Variant of Uncertain Significance.

NM_006662.3(SRCAP):c.1421G>C (p.Ser474Thr)

Gene: SRCAP (Snf2 related CREBBP activator protein; plus strand). Cytogenetic location: 16p11.2.
Variant type: single nucleotide variant.
Coding change: c.1421G>C on transcript NM_006662.3 (MANE Select); coding-DNA position 1421, G replaced by C.
Protein change: p.Ser474Thr; replaces serine 474 with threonine.
Molecular consequence: missense variant.
Genome position (GRCh38, 1-based): chr16:30,711,673, G>C. VCF-style: chr16-30711673-G-C. GRCh37 (hg19) VCF-style: chr16-30722994-G-C.
Other names: short protein forms S474T.
Identifiers: ClinVar variation 3691586 (VCV003691586.2).